The following is an entry in ClinVar:

NM_006514.4(SCN10A):c.4789C>T (p.Leu1597Phe)

Gene: SCN10A (sodium voltage-gated channel alpha subunit 10; minus strand). Cytogenetic location: 3p22.2.
Variant type: single nucleotide variant.
Coding change: c.4789C>T on transcript NM_006514.4 (MANE Select); coding-DNA position 4789, C replaced by T.
Protein change: p.Leu1597Phe; replaces leucine 1597 with phenylalanine.
Molecular consequence: missense variant.
Genome position (GRCh38, 1-based): chr3:38,698,431, G>A on the plus strand (C>T on the coding strand, the complement: SCN10A is on the minus strand). VCF-style: chr3-38698431-G-A. GRCh37 (hg19) VCF-style: chr3-38739922-G-A.
Other names: c.4786C>T, p.Leu1596Phe (NM_001293306.2); c.4495C>T, p.Leu1499Phe (NM_001293307.2); short protein forms L1499F, L1596F, L1597F.
Identifiers: ClinVar variation 3225669 (VCV003225669.1), dbSNP rs2470555090, ClinGen allele CA352155645.
Genomic context (GRCh38, chr3:38,698,431, plus strand): 5'-CAAGGAATAGCAACAGCCCGATGTTGAAGAGGGCAGGCAGGGACATCATGAGGGCAAAGA[G>A]CAGTGTGCGGATCCCCTTGGCCGCTCGGATCAGTCTGAGGATGCGGCCAATTCGGGCCAG-3'
Protein context (NP_006505.4, residues 1587-1607): IRAAKGIRTL[Leu1597Phe]FALMMSLPAL

ClinVar aggregate classification (germline): Uncertain significance (1 of 4 stars; one submission).

Conditions:
Cardiovascular phenotype. Identifiers: MedGen CN230736.

Submission:

Ambry Genetics
Classification: Uncertain significance for Cardiovascular phenotype. Last evaluated: 2023-12-12. Review status: criteria provided, single submitter. Criteria: Ambry Variant Classification Scheme 2023. Collection method: clinical testing. Allele origin: germline.
Comment: The p.L1597F variant (also known as c.4789C>T), located in coding exon 27 of the SCN10A gene, results from a C to T substitution at nucleotide position 4789. The leucine at codon 1597 is replaced by phenylalanine, an amino acid with highly similar properties. This amino acid position is conserved. In addition, this alteration is predicted to be deleterious by in silico analysis. Since supporting evidence is limited at this time, the clinical significance of this alteration remains unclear.